The following is an entry in ClinVar:

ClinVar aggregate classification (germline): Uncertain significance. Review status: criteria provided, multiple submitters, no conflicts (2 of 4 stars). 2 submissions from 2 submitters: Uncertain significance (2). Last evaluated 2024-09-08.

Conditions:
Inborn genetic diseases. Identifiers: MedGen C0950123, MeSH D030342.

Allele frequency attached by ClinVar (database versions not stated): gnomAD exomes 0.00001.

Submissions (2):

Ambry Genetics
Classification: Uncertain significance for Inborn genetic diseases. Last evaluated: 2024-09-08. Review status: criteria provided, single submitter. Criteria: Ambry Variant Classification Scheme 2023. Collection method: clinical testing. Allele origin: germline.

CeGaT Center for Human Genetics Tuebingen
Classification: Uncertain significance. Last evaluated: 2024-04-01. Review status: criteria provided, single submitter. Criteria: CeGaT Center For Human Genetics Tuebingen Variant Classification Criteria Version 2. Collection method: clinical testing. Allele origin: germline. Affected: yes. Observed: 1 variant allele.
Comment: AR: PM2, PP3

NM_000044.6(AR):c.1337T>G (p.Leu446Trp)

Gene: AR (androgen receptor; plus strand). Cytogenetic location: Xq12.
Variant type: single nucleotide variant.
Coding change: c.1337T>G on transcript NM_000044.6 (MANE Select); coding-DNA position 1337, T replaced by G.
Protein change: p.Leu446Trp; replaces leucine 446 with tryptophan.
Molecular consequence: missense variant. On other transcripts: 5 prime UTR variant (1).
Genome position (GRCh38, 1-based): chrX:67,546,483, T>G. VCF-style: chrX-67546483-T-G. GRCh37 (hg19) VCF-style: chrX-66766325-T-G.
Other names: c.-447T>G (NM_001011645.3); c.1337T>G, p.Leu446Trp (NM_001348061.1, NM_001348063.1, NM_001348064.1 and 1 more transcripts); c.1337T>G (NM_000044.3); short protein forms L446W.
Identifiers: ClinVar variation 3234702 (VCV003234702.21), dbSNP rs2519609982, ClinGen allele CA413427041.